The following is an entry in ClinVar:

NM_000329.3(RPE65):c.1176_1177insCCGCA (p.Ala393fs)

Gene: RPE65 (retinoid isomerohydrolase RPE65; minus strand). Cytogenetic location: 1p31.3.
Variant type: Insertion.
Coding change: c.1176_1177insCCGCA on transcript NM_000329.3 (MANE Select); coding-DNA positions 1176 to 1177, CCGCA inserted.
Protein change: p.Ala393fs; shifts the reading frame from alanine 393.
Molecular consequence: frameshift variant.
Genome position: GRCh38 VCF-style: chr1-68431537-C-CTGCGG. GRCh37 (hg19) VCF-style: chr1-68897220-C-CTGCGG.
Other names: c.1068_1069insCCGCA, p.Ala357fs (NM_001406853.1); c.900_901insCCGCA, p.Ala301fs (NM_001406856.1, NM_001406857.1); short protein forms A301fs, A357fs, A393fs.
Identifiers: ClinVar variation 5010349 (VCV005010349.1).
Genomic context (GRCh38, chr1:68,431,537, plus strand): 5'-GAGGCCCTGAAAAGAGAACTTCAGGCTCCAGCCAGATAGTCTCGTCACTGCACAGAATTG[C>CTGCGG]AGTGGCAGTTGTATTGGGGAGCGTGACTAAATTCTTGCCTGTGTCAGCCTAGGAGAGAAG-3'

ClinVar aggregate classification (germline): Pathogenic (1 of 4 stars; one submission).

Conditions:
RPE65-related recessive retinopathy. Also called: Recessive RPE65 retinopathy. Identifiers: MedGen CN305526, MONDO:0100368.

Submission:

Myriad Genetics, Inc.
Classification: Pathogenic for RPE65-related recessive retinopathy. Last evaluated: 2024-05-14. Review status: criteria provided, single submitter. Criteria: Myriad Autosomal Dominant, Autosomal Recessive and X-Linked Classification Criteria (2023). Collection method: clinical testing. Allele origin: unknown.
Comment: NM_000329.2(RPE65):c.1176_1177ins5(A393Pfs*49) is expected to be pathogenic in the context of inherited retinal dystrophy, RPE65-related. This variant is predicted to lead to an abnormal or absent protein product due to the creation of a premature termination codon in RPE65, a gene where loss-of-function variants are known to be pathogenic. Please note: this variant was assessed in the context of healthy population screening.